The following is an entry in ClinVar:

ClinVar aggregate classification (germline): Likely pathogenic (1 of 4 stars; one submission).

Conditions:
Long QT syndrome (LQTS). Identifiers: MedGen C0023976, MeSH D008133, MONDO:0002442. Disease mechanism: loss of function. Inheritance: Various modes of inheritance.

Submission:

Labcorp Genetics (formerly Invitae), Labcorp
Classification: Likely pathogenic for Long QT syndrome. Last evaluated: 2018-08-08. Review status: criteria provided, single submitter. Criteria: Invitae Variant Classification Sherloc (09022015). Collection method: clinical testing. Allele origin: germline.
Comment: This sequence change affects a donor splice site in intron 1 of the KCNH2 gene. It is expected to disrupt RNA splicing and likely results in an absent or disrupted protein product. In summary, the currently available evidence indicates that the variant is pathogenic, but additional data are needed to prove that conclusively. Therefore, this variant has been classified as Likely Pathogenic. Donor and acceptor splice site variants typically lead to a loss of protein function (PMID: 16199547), and loss-of-function variants in KCNH2 are known to be pathogenic (PMID: 19862833). Algorithms developed to predict the effect of sequence changes on RNA splicing suggest that this variant may disrupt the consensus splice site, but this prediction has not been confirmed by published transcriptional studies. This variant has not been reported in the literature in individuals with KCNH2-related disease. This variant is not present in population databases (ExAC no frequency).

Literature cited by the submitters: PubMed 16199547; PubMed 19862833.

NM_000238.4(KCNH2):c.76_76+1del

Gene: KCNH2 (potassium voltage-gated channel subfamily H member 2; minus strand). Cytogenetic location: 7q36.1.
Variant type: Microsatellite.
Coding change: c.76_76+1del on transcript NM_000238.4 (MANE Select); coding-DNA position 76 through the canonical splice donor site of the intron after coding-DNA position 76, 2 bases deleted (AG; older notation c.76_76+1delAG).
Molecular consequence: splice donor variant.
Genome position (GRCh38, 1-based): chr7:150,977,837-150,977,838, CT deleted on the plus strand (AG on the coding strand, the reverse complement: KCNH2 is on the minus strand); deleting any 2 consecutive bases within chr7:150,977,837-150,977,840 gives the same sequence; the c. name uses the placement nearest the transcript's 3' end. VCF-style (leftmost placement, unchanged base first): chr7-150977836-ACT-A. GRCh37 (hg19) VCF-style: chr7-150674924-ACT-A.
Other names: c.76_76+1delAG (NM_000238.3); c.76_76+1del (NM_172056.3).
Identifiers: ClinVar variation 579489 (VCV000579489.10), dbSNP rs1563193513, ClinGen allele CA891843379.